The following is an entry in ClinVar:

ClinVar aggregate classification (germline): Uncertain significance (3 of 4 stars; one submission).

Conditions:
Mitochondrial disease. Also called: Mitochondrial disorder; Mitochondrial disorders. Identifiers: Orphanet 68380, MedGen C0751651, MeSH D028361, MONDO:0044970.

Submission:

ClinGen Mitochondrial Disease Nuclear and Mitochondrial  Variant Curation Expert Panel, ClinGen
Classification: Uncertain significance for Mitochondrial disease. Last evaluated: 2023-05-23. Review status: reviewed by expert panel. Criteria: McCormick et al. (Hum Mutat. 2020). Collection method: curation. Allele origin: germline. Inheritance: Mitochondrial inheritance.
Comment: The m.3273del variant in MT-TL1 has been reported in two unrelated individuals (PS4_supporting; PMIDs: 7854527, 30701423). The variant was present at 65% heteroplasmy in muscle. She also had basal ganglia calcifications and cerebellar atrophy. Muscle biopsy was unrevealing. The variant as described as present in muscle but the heteroplasmy level was not provided. The variant was reported to be absent in blood from the mother in the first reported case however heteroplasmy level in blood was not determined for the proband, precluding consideration for de novo status. There are no other reports of large families with this variant segregating with disease manifestations. This variant is absent in the GenBank dataset, Helix dataset, and gnomAD v3.1.2 (PM2_supporting). The computational predictor MitoTIP suggests this variant is pathogenic (85.7 percentile; PP3). There are no cybrids, single fiber studies, or other functional assays reported on this variant. In summary, this variant meets criteria to be classified as of uncertain significance for primary mitochondrial disease inherited in a mitochondrial manner. This classification was approved by the NICHD/NINDS U24 ClinGen Mitochondrial Disease Variant Curation Expert Panel on May 23, 2023. Mitochondrial DNA-specific ACMG/AMP criteria applied (PMID: 32906214): PS4_supporting, PM2_supporting, PP3.

NC_012920.1(MT-TL1):m.3273del

Gene: MT-TL1 (mitochondrially encoded tRNA leucine 1 (UUA/G); plus strand).
Variant type: Deletion.
Genome position: chrM-3270-CT-C.
Other names: NC_012920.1:m.3273del.
Identifiers: ClinVar variation 1679204 (VCV001679204.1), dbSNP rs2521952315.